The following is an entry in ClinVar:

ClinVar aggregate classification (germline): Pathogenic. Review status: criteria provided, multiple submitters, no conflicts (2 of 4 stars). 4 submissions from 4 submitters: Pathogenic (3). 1 of the submissions does not count toward it. Last evaluated 2024-04-04.

Conditions:
PURA-related severe neonatal hypotonia-seizures-encephalopathy syndrome (NEDRIHF). Also called: NEURODEVELOPMENTAL DISORDER WITH NEONATAL RESPIRATORY INSUFFICIENCY, HYPOTONIA, AND FEEDING DIFFICULTIES; PURA-Related Neurodevelopmental Disorders. Identifiers: Orphanet 438213, Orphanet 438216, MedGen C4015357, MONDO:1060108, OMIM 616158, MONDO:0018580.

Allele frequency attached by ClinVar (database versions not stated): gnomAD exomes below 0.00001.

Submissions (4):

GeneDx
Classification: Pathogenic. Last evaluated: 2024-04-04. Review status: criteria provided, single submitter. Criteria: GeneDx Variant Classification Process June 2021. Collection method: clinical testing. Allele origin: germline. Affected: yes.
Comment: Nonsense variant predicted to result in protein truncation, as the last 319 amino acids are lost, and other loss-of-function variants have been reported downstream in HGMD; Not observed at significant frequency in large population cohorts (gnomAD); This variant is associated with the following publications: (PMID: 34070668, 31440721, 36376392)

Baylor Genetics
Classification: Pathogenic for PURA-related severe neonatal hypotonia-seizures-encephalopathy syndrome. Last evaluated: 2023-01-15. Review status: criteria provided, single submitter. Criteria: ACMG Guidelines, 2015. Collection method: clinical testing. Allele origin: unknown.

Labcorp Genetics (formerly Invitae), Labcorp
Classification: Pathogenic for PURA-related severe neonatal hypotonia-seizures-encephalopathy syndrome. Last evaluated: 2023-01-15. Review status: criteria provided, single submitter. Criteria: Invitae Variant Classification Sherloc (09022015). Collection method: clinical testing. Allele origin: germline.
Comment: For these reasons, this variant has been classified as Pathogenic. This variant disrupts a region of the PURA protein in which other variant(s) (p.Tyr261*) have been determined to be pathogenic (PMID: 25439098). This suggests that this is a clinically significant region of the protein, and that variants that disrupt it are likely to be disease-causing. ClinVar contains an entry for this variant (Variation ID: 571407). This premature translational stop signal has been observed in individual(s) with clinical features of early infantile epileptic encephalopathy (Invitae). This variant is not present in population databases (gnomAD no frequency). This sequence change creates a premature translational stop signal (p.Arg4*) in the PURA gene. While this is not anticipated to result in nonsense mediated decay, it is expected to disrupt the last 319 amino acid(s) of the PURA protein.

Cytogénomique, Hospices Civils de Lyon
Classification: Pathogenic for PURA-related severe neonatal hypotonia-seizures-encephalopathy syndrome. Review status: no assertion criteria provided. Collection method: clinical testing. Allele origin: de novo. Inheritance: Autosomal dominant inheritance. Affected: yes. Not counted in ClinVar's aggregate classification.

Literature cited by the submitters: PubMed 25439098 (cited by Labcorp Genetics (formerly Invitae), Labcorp).

NM_005859.5(PURA):c.10C>T (p.Arg4Ter)

Gene: PURA (purine rich element binding protein A; plus strand). Cytogenetic location: 5q31.3.
Variant type: single nucleotide variant.
Coding change: c.10C>T on transcript NM_005859.5 (MANE Select); coding-DNA position 10, C replaced by T.
Protein change: p.Arg4Ter; replaces arginine 4 with a stop codon.
Molecular consequence: nonsense.
Genome position (GRCh38, 1-based): chr5:140,114,191, C>T. VCF-style: chr5-140114191-C-T. GRCh37 (hg19) VCF-style: chr5-139493776-C-T.
Other names: short protein forms R4*.
Identifiers: ClinVar variation 571407 (VCV000571407.12), dbSNP rs1561792945, ClinGen allele CA361488983.
Genomic context (GRCh38, chr5:140,114,191, plus strand): 5'-GCGGCGGGCGGAGCGGCAGGCGGCGGCGGCGCGGCAGCGGAGCGCAGCATCATGGCGGAC[C>T]GAGACAGCGGCAGCGAGCAGGGTGGTGCGGCGCTGGGTTCGGGCGGCTCCCTGGGGCACC-3'